The following is an entry in ClinVar:

NM_001244008.2(KIF1A):c.167_169del (p.Tyr56del)

Gene: KIF1A (kinesin family member 1A; minus strand). Cytogenetic location: 2q37.3.
Variant type: Deletion.
Coding change: c.167_169del on transcript NM_001244008.2 (MANE Select); coding-DNA positions 167 to 169, 3 bases deleted (ACT; older notation c.167_169delACT).
Protein change: p.Tyr56del; deletes tyrosine 56.
Genome position (GRCh38, 1-based): chr2:240,789,250-240,789,252, AGT deleted on the plus strand (ACT on the coding strand, the reverse complement: KIF1A is on the minus strand); deleting any 3 consecutive bases within chr2:240,789,250-240,789,254 gives the same sequence; the c. name uses the placement nearest the transcript's 3' end. VCF-style (leftmost placement, unchanged base first): chr2-240789249-CAGT-C. GRCh37 (hg19) VCF-style: chr2-241728666-CAGT-C.
Other names: c.167_169del, p.Tyr56del (NM_001320705.2, NM_001330289.2, NM_001330290.2 and 20 more transcripts); short protein forms Y56del.
Identifiers: ClinVar variation 4784918 (VCV004784918.1).

ClinVar aggregate classification (germline): Uncertain significance (1 of 4 stars; one submission).

Conditions:
Neuropathy, hereditary sensory, type 2C. Also called: KIF1A-Related HSAN2 (HSAN2C); Hereditary sensory and autonomic neuropathy type IIC. Identifiers: Orphanet 970, MedGen C3280168, MONDO:0013634, OMIM 614213.
Hereditary spastic paraplegia 30. Identifiers: Orphanet 101010, MedGen C5235139, MONDO:0012476.
Intellectual disability, autosomal dominant 9 (NESCAVS). Also called: KIF1A-Related Neurodevelopmental Disorder; NESCAV SYNDROME. Identifiers: Orphanet 662367, MedGen C5393830, MONDO:0013656, OMIM 614255.

Submission:

Labcorp Genetics (formerly Invitae), Labcorp
Classification: Uncertain significance for Hereditary spastic paraplegia 30; Neuropathy, hereditary sensory, type 2C; Intellectual disability, autosomal dominant 9. Last evaluated: 2025-05-06. Review status: criteria provided, single submitter. Criteria: Invitae Variant Classification Sherloc (09022015). Collection method: clinical testing. Allele origin: germline.
Comment: This variant, c.167_169del, results in the deletion of 1 amino acid(s) of the KIF1A protein (p.Tyr56del), but otherwise preserves the integrity of the reading frame. This variant is not present in population databases (gnomAD no frequency). This variant has not been reported in the literature in individuals affected with KIF1A-related conditions. Experimental studies and prediction algorithms are not available or were not evaluated, and the functional significance of this variant is currently unknown. In summary, the available evidence is currently insufficient to determine the role of this variant in disease. Therefore, it has been classified as a Variant of Uncertain Significance.